The following is an entry in ClinVar:

NM_001267550.2(TTN):c.31348+1G>T

Gene: TTN (titin; minus strand). Cytogenetic location: 2q31.2.
Variant type: single nucleotide variant.
Coding change: c.31348+1G>T on transcript NM_001267550.2 (MANE Select); the canonical splice donor site of the intron after coding-DNA position 31348, G replaced by T.
Molecular consequence: splice donor variant. On other transcripts: intron variant (3).
Genome position (GRCh38, 1-based): chr2:178,694,828, C>A on the plus strand (G>T on the coding strand, the complement: TTN is on the minus strand). VCF-style: chr2-178694828-C-A. GRCh37 (hg19) VCF-style: chr2-179559555-C-A.
Other names: c.13282+43254G>T (NM_003319.4); c.13858+43254G>T (NM_133437.4); c.13657+43254G>T (NM_133432.3); c.27616+1G>T (NM_133378.4); c.30397+1G>T (NM_001256850.1).
Identifiers: ClinVar variation 3602988 (VCV003602988.2).
Genomic context (GRCh38, chr2:178,694,828, plus strand): 5'-AGTATAGATCAGTAAACATATTACTTGTGTACATGGGTGCTAGGAATGTTTTAAATAATA[C>A]CTTTGGTGACTTGAACTTTTTCTTCCTCCATTCTTCGAGAAGTCTTTTCAATTTTTTCAA-3'

ClinVar aggregate classification (germline): Conflicting classifications of pathogenicity. Review status: criteria provided, conflicting classifications (1 of 4 stars). 2 submissions from 2 submitters: Likely pathogenic (1); Uncertain significance (1). Last evaluated 2025-08-30.

Conditions:
Autosomal recessive limb-girdle muscular dystrophy type 2J (LGMDR10). Also called: Limb-girdle muscular dystrophy, type 2J; MUSCULAR DYSTROPHY, LIMB-GIRDLE, AUTOSOMAL RECESSIVE 10. Identifiers: Orphanet 140922, MedGen C1837342, MONDO:0012127, OMIM 608807.
Dilated cardiomyopathy 1G (CMD1G). Identifiers: Orphanet 154, MedGen C1858763, MONDO:0011400, OMIM 604145.

gnomAD v4.1: 3 of 1,555,334 alleles (0.00019%); highest among the groups gnomAD compares: Non-Finnish European, 0.00026%; no homozygotes.

Submissions (2):

Labcorp Genetics (formerly Invitae), Labcorp
Classification: Likely pathogenic for Dilated cardiomyopathy 1G; Autosomal recessive limb-girdle muscular dystrophy type 2J. Last evaluated: 2025-08-30. Review status: criteria provided, single submitter. Criteria: Invitae Variant Classification Sherloc (09022015). Collection method: clinical testing. Allele origin: germline.
Comment: This sequence change affects a donor splice site in intron 116 of the TTN gene. It is expected to disrupt RNA splicing and likely results in a truncated or disrupted TTN protein. This variant is not present in population databases (gnomAD no frequency). This variant has not been reported in the literature in individuals affected with TTN-related conditions. ClinVar contains an entry for this variant (Variation ID: 3602988). Algorithms developed to predict the effect of sequence changes on RNA splicing suggest that this variant may disrupt the consensus splice site. This variant is located in the I band of TTN (PMID: 25589632). Truncating variants in this region have been reported in individuals affected with autosomal recessive centronuclear myopathy (PMID: 23975875, internal data). Truncating variants in this region have also been identified in individuals affected with autosomal dominant dilated cardiomyopathy and/or cardio-related conditions (PMID: 27869827, 32964742, internal data). In summary, the currently available evidence indicates that the variant is pathogenic, but additional data are needed to prove that conclusively. Therefore, this variant has been classified as Likely Pathogenic.

GeneDx
Classification: Uncertain significance. Last evaluated: 2024-08-09. Review status: criteria provided, single submitter. Criteria: GeneDx Variant Classification Process June 2021. Collection method: clinical testing. Allele origin: germline. Affected: yes.
Comment: Not observed at significant frequency in large population cohorts (gnomAD); Canonical splice site variant in a gene or region of a gene for which loss of function is not a well-established mechanism of disease; Has not been previously published as pathogenic or benign to our knowledge

Literature cited by the submitters: PubMed 25589632 (cited by Labcorp Genetics (formerly Invitae), Labcorp); PubMed 23975875 (cited by Labcorp Genetics (formerly Invitae), Labcorp); PubMed 27869827 (cited by Labcorp Genetics (formerly Invitae), Labcorp); PubMed 32964742 (cited by Labcorp Genetics (formerly Invitae), Labcorp).